The following is an entry in ClinVar:

ClinVar aggregate classification (germline): Uncertain significance. Review status: criteria provided, multiple submitters, no conflicts (2 of 4 stars). 2 submissions from 2 submitters: Uncertain significance (2). Last evaluated 2025-09-23.

Conditions:
Emery-Dreifuss muscular dystrophy 5, autosomal dominant (EDMD5). Also called: EMERY-DREIFUSS MUSCULAR DYSTROPHY 5. Identifiers: Orphanet 261, MedGen C2751805, MONDO:0013072, OMIM 612999.

Submissions (2):

Labcorp Genetics (formerly Invitae), Labcorp
Classification: Uncertain significance for Emery-Dreifuss muscular dystrophy 5, autosomal dominant. Last evaluated: 2025-09-23. Review status: criteria provided, single submitter. Criteria: Invitae Variant Classification Sherloc (09022015). Collection method: clinical testing. Allele origin: germline.
Comment: This sequence change replaces aspartic acid, which is acidic and polar, with asparagine, which is neutral and polar, at codon 1372 of the SYNE2 protein (p.Asp1372Asn). This variant is not present in population databases (gnomAD no frequency). This variant has not been reported in the literature in individuals affected with SYNE2-related conditions. ClinVar contains an entry for this variant (Variation ID: 3803426). An algorithm developed to predict the effect of missense changes on protein structure and function (PolyPhen-2) suggests that this variant is likely to be tolerated. In summary, the available evidence is currently insufficient to determine the role of this variant in disease. Therefore, it has been classified as a Variant of Uncertain Significance.

Ambry Genetics
Classification: Uncertain significance. Last evaluated: 2025-01-19. Review status: criteria provided, single submitter. Criteria: Ambry Variant Classification Scheme 2023. Collection method: clinical testing. Allele origin: germline.

NM_182914.3(SYNE2):c.4114G>A (p.Asp1372Asn)

Gene: SYNE2 (spectrin repeat containing nuclear envelope protein 2; plus strand). Cytogenetic location: 14q23.2.
Variant type: single nucleotide variant.
Coding change: c.4114G>A on transcript NM_182914.3 (MANE Select); coding-DNA position 4114, G replaced by A.
Protein change: p.Asp1372Asn; replaces aspartic acid 1372 with asparagine.
Molecular consequence: missense variant.
Genome position (GRCh38, 1-based): chr14:64,003,047, G>A. VCF-style: chr14-64003047-G-A. GRCh37 (hg19) VCF-style: chr14-64469765-G-A.
Other names: c.4114G>A, p.Asp1372Asn (NM_015180.6); short protein forms D1372N.
Identifiers: ClinVar variation 3803426 (VCV003803426.2).